The following is an entry in ClinVar:

ClinVar aggregate classification (germline): Pathogenic (1 of 4 stars; one submission).

Submission:

Labcorp Genetics (formerly Invitae), Labcorp
Classification: Pathogenic. Last evaluated: 2022-03-16. Review status: criteria provided, single submitter. Criteria: Invitae Variant Classification Sherloc (09022015). Collection method: clinical testing. Allele origin: germline.
Comment: For these reasons, this variant has been classified as Pathogenic. This variant has not been reported in the literature in individuals affected with COL7A1-related conditions. This variant is not present in population databases (gnomAD no frequency). This sequence change creates a premature translational stop signal (p.Lys2571*) in the COL7A1 gene. It is expected to result in an absent or disrupted protein product. Loss-of-function variants in COL7A1 are known to be pathogenic (PMID: 16971478).

Literature cited by the submitters: PubMed 16971478.

NM_000094.4(COL7A1):c.7711A>T (p.Lys2571Ter)

Gene: COL7A1 (collagen type VII alpha 1 chain; minus strand). Cytogenetic location: 3p21.31.
Variant type: single nucleotide variant.
Coding change: c.7711A>T on transcript NM_000094.4 (MANE Select); coding-DNA position 7711, A replaced by T.
Protein change: p.Lys2571Ter; replaces lysine 2571 with a stop codon.
Molecular consequence: nonsense.
Genome position (GRCh38, 1-based): chr3:48,568,831, T>A on the plus strand (A>T on the coding strand, the complement: COL7A1 is on the minus strand). VCF-style: chr3-48568831-T-A. GRCh37 (hg19) VCF-style: chr3-48606264-T-A.
Other names: short protein forms K2571*.
Identifiers: ClinVar variation 2073660 (VCV002073660.4), dbSNP rs750262029, ClinGen allele CA352643191.